The following is an entry in ClinVar:

NM_170606.3(KMT2C):c.10258G>T (p.Asp3420Tyr)

Gene: KMT2C (lysine methyltransferase 2C; minus strand). Cytogenetic location: 7q36.1.
Variant type: single nucleotide variant.
Coding change: c.10258G>T on transcript NM_170606.3 (MANE Select); coding-DNA position 10258, G replaced by T.
Protein change: p.Asp3420Tyr; replaces aspartic acid 3420 with tyrosine.
Molecular consequence: missense variant.
Genome position (GRCh38, 1-based): chr7:152,163,319, C>A on the plus strand (G>T on the coding strand, the complement: KMT2C is on the minus strand). VCF-style: chr7-152163319-C-A. GRCh37 (hg19) VCF-style: chr7-151860404-C-A.
Other names: short protein forms D3420Y.
Identifiers: ClinVar variation 5018275 (VCV005018275.1).
Genomic context (GRCh38, chr7:152,163,319, plus strand): 5'-CAGAGCCCACCATACCATGCTGCTCCATTTCCATCCTCTGCTGCAAAGCTCTTTGTCTAT[C>A]TACCTCCTGCATGAGTTGGATCCGTTGTCTCTCTTGCTGTTCTCGTAAACGTTCCTTACG-3'
Protein context (NP_733751.2, residues 3410-3430): RQRIQLMQEV[Asp3420Tyr]RQRALQQRME

ClinVar aggregate classification (germline): Uncertain significance (1 of 4 stars; one submission).

Submission:

GeneDx
Classification: Uncertain significance. Last evaluated: 2026-04-08. Review status: criteria provided, single submitter. Criteria: GeneDx Variant Classification Process June 2021. Collection method: clinical testing. Allele origin: germline.
Comment: Not observed at significant frequency in large population cohorts (gnomAD); In silico analysis supports that this missense variant has a deleterious effect on protein structure/function; Has not been previously published as pathogenic or benign to our knowledge